The following is an entry in ClinVar:

ClinVar aggregate classification (germline): Uncertain significance (1 of 4 stars; one submission).

Submission:

Dasa
Classification: Uncertain significance. Last evaluated: 2026-03-11. Review status: criteria provided, single submitter. Criteria: DASA Assertion Criteria. Collection method: clinical testing. Allele origin: germline.
Comment: NM_001287.6(CLCN7):c.1884-60G>C is an intronic variant. This variant is absent from population databases. Computational prediction algorithms are consistent with a deleterious effect. The currently available literature and clinical evidence are not sufficient to establish a definitive association between this variant and the reported condition. Therefore, this variant is classified as a variant of uncertain significance.

NM_001287.6(CLCN7):c.1884-60G>C

Gene: CLCN7 (Cl-/H+ antiporter 7; minus strand). Cytogenetic location: 16p13.3.
Variant type: single nucleotide variant.
Coding change: c.1884-60G>C on transcript NM_001287.6 (MANE Select); 60 bases into the intron before coding-DNA position 1884, G replaced by C.
Molecular consequence: intron variant.
Genome position (GRCh38, 1-based): chr16:1,448,544, C>G on the plus strand (G>C on the coding strand, the complement: CLCN7 is on the minus strand). VCF-style: chr16-1448544-C-G. GRCh37 (hg19) VCF-style: chr16-1498545-C-G.
Other names: c.1812-60G>C (NM_001114331.3).
Identifiers: ClinVar variation 4880896 (VCV004880896.2).